The following is an entry in ClinVar:

NM_014000.3(VCL):c.227C>T (p.Pro76Leu)

Gene: VCL (vinculin; plus strand). Cytogenetic location: 10q22.2.
Variant type: single nucleotide variant.
Coding change: c.227C>T on transcript NM_014000.3 (MANE Select); coding-DNA position 227, C replaced by T.
Protein change: p.Pro76Leu; replaces proline 76 with leucine.
Molecular consequence: missense variant.
Genome position (GRCh38, 1-based): chr10:74,043,141, C>T. VCF-style: chr10-74043141-C-T. GRCh37 (hg19) VCF-style: chr10-75802899-C-T.
Other names: c.227C>T, p.Pro76Leu (NM_003373.4); short protein forms P76L.
Identifiers: ClinVar variation 1788910 (VCV001788910.2), dbSNP rs2549198969, ClinGen allele CA377260249.

ClinVar aggregate classification (germline): Uncertain significance (1 of 4 stars; one submission).

Conditions:
Cardiovascular phenotype. Identifiers: MedGen CN230736.

Submission:

Ambry Genetics
Classification: Uncertain significance for Cardiovascular phenotype. Last evaluated: 2021-05-01. Review status: criteria provided, single submitter. Criteria: Ambry Variant Classification Scheme 2023. Collection method: clinical testing. Allele origin: germline.
Comment: The p.P76L variant (also known as c.227C>T), located in coding exon 2 of the VCL gene, results from a C to T substitution at nucleotide position 227. The proline at codon 76 is replaced by leucine, an amino acid with similar properties. This amino acid position is highly conserved in available vertebrate species. In addition, this alteration is predicted to be tolerated by in silico analysis. Since supporting evidence is limited at this time, the clinical significance of this alteration remains unclear.